The following is an entry in ClinVar:

NM_000246.4(CIITA):c.2466G>A (p.Trp822Ter)

Gene: CIITA (class II major histocompatibility complex transactivator; plus strand). Cytogenetic location: 16p13.13.
Variant type: single nucleotide variant.
Coding change: c.2466G>A on transcript NM_000246.4 (MANE Select); coding-DNA position 2466, G replaced by A.
Protein change: p.Trp822Ter; replaces tryptophan 822 with a stop codon.
Molecular consequence: nonsense. On other transcripts: intron variant (1).
Genome position (GRCh38, 1-based): chr16:10,907,958, G>A. VCF-style: chr16-10907958-G-A. GRCh37 (hg19) VCF-style: chr16-11001815-G-A.
Other names: c.2469G>A, p.Trp823Ter (NM_001286402.1, NM_001379332.1); c.2322G>A, p.Trp774Ter (NM_001379330.1); c.2319G>A, p.Trp773Ter (NM_001379331.1); c.2466G>A, p.Trp822Ter (NM_001379333.1); c.2397G>A, p.Trp799Ter (NM_001379334.1); c.860-1025G>A (NM_001286403.2); short protein forms W773*, W774*, W799*, W822*, W823*.
Identifiers: ClinVar variation 2102239 (VCV002102239.4), dbSNP rs2544497246, ClinGen allele CA394733681.

ClinVar aggregate classification (germline): Pathogenic (1 of 4 stars; one submission).

Conditions:
MHC class II deficiency. Also called: Bare lymphocyte syndrome 2; BLS, TYPE II. Identifiers: Orphanet 572, MedGen C5447452, MONDO:0008855.

Submission:

Labcorp Genetics (formerly Invitae), Labcorp
Classification: Pathogenic for MHC class II deficiency. Last evaluated: 2022-02-22. Review status: criteria provided, single submitter. Criteria: Invitae Variant Classification Sherloc (09022015). Collection method: clinical testing. Allele origin: germline.
Comment: This sequence change creates a premature translational stop signal (p.Trp822*) in the CIITA gene. It is expected to result in an absent or disrupted protein product. Loss-of-function variants in CIITA are known to be pathogenic (PMID: 8402893, 9099848, 26271388). This variant is not present in population databases (gnomAD no frequency). This variant has not been reported in the literature in individuals affected with CIITA-related conditions. For these reasons, this variant has been classified as Pathogenic.

Literature cited by the submitters: PubMed 8402893; PubMed 9099848; PubMed 26271388.